The following is an entry in ClinVar:

NC_000006.11:g.(?_118014185)_(118014350_?)del

Gene: NUS1 (NUS1 dehydrodolichyl diphosphate synthase subunit; plus strand). Cytogenetic location: 6q22.1.
Variant type: Deletion.
Identifiers: ClinVar variation 1460025 (VCV001460025.5).

ClinVar aggregate classification (germline): Pathogenic (1 of 4 stars; one submission).

Conditions:
Congenital disorder of glycosylation, type Iaa. Also called: Congenital disorder of glycosylation, type 1aa. Identifiers: MedGen C4310727, MONDO:0014904, OMIM 617082.

Submission:

Labcorp Genetics (formerly Invitae), Labcorp
Classification: Pathogenic for Congenital disorder of glycosylation, type Iaa. Last evaluated: 2023-07-16. Review status: criteria provided, single submitter. Criteria: Invitae Variant Classification Sherloc (09022015). Collection method: clinical testing. Allele origin: germline.
Comment: This variant is a gross deletion of the genomic region encompassing exon(s) 2 of the NUS1 gene. This variant would be expected to be in-frame, preserving the integrity of the reading frame. A similar copy number variant has been observed in individual(s) with NUS1-related conditions (PMID: 29100083). In at least one individual the variant was observed to be de novo. For these reasons, this variant has been classified as Pathogenic.

Literature cited by the submitters: PubMed 29100083.